The following is an entry in ClinVar:

NM_001172509.2(SATB2):c.1937A>G (p.His646Arg)

Genes: SATB2 (SATB homeobox 2; minus strand), LOC126806462 (MED14-independent group 3 enhancer GRCh37_chr2:200136608-200137807; plus strand). Cytogenetic location: 2q33.1.
Variant type: single nucleotide variant.
Coding change: c.1937A>G on transcript NM_001172509.2 (MANE Select); coding-DNA position 1937, A replaced by G.
Protein change: p.His646Arg; replaces histidine 646 with arginine.
Molecular consequence: missense variant.
Genome position (GRCh38, 1-based): chr2:199,272,476, T>C on the plus strand (A>G on the coding strand, the complement: SATB2 is on the minus strand). VCF-style: chr2-199272476-T-C. GRCh37 (hg19) VCF-style: chr2-200137199-T-C.
Other names: c.1937A>G, p.His646Arg (NM_001172517.1, NM_015265.4); short protein forms H646R.
Identifiers: ClinVar variation 4539991 (VCV004539991.1).
Genomic context (GRCh38, chr2:199,272,476, plus strand): 5'-TGGTTCTGGAAGAACTTGATGATGGTGTGTTTGGGGAGATCCAGCTGAGCCGAAAGAGTG[T>C]GGATGGCTTCCTGGTCTGGGTACAGGCCTACATCATGAATAAAGCTTTGGAGGATCCCCA-3'
Protein context (NP_001165980.1, residues 636-656): VGLYPDQEAI[His646Arg]TLSAQLDLPK

ClinVar aggregate classification (germline): Uncertain significance (1 of 4 stars; one submission).

Submission:

GeneDx
Classification: Uncertain significance. Last evaluated: 2025-06-24. Review status: criteria provided, single submitter. Criteria: GeneDx Variant Classification Process June 2021. Collection method: clinical testing. Allele origin: germline. Affected: yes.
Comment: Not observed at significant frequency in large population cohorts (gnomAD); In silico analysis supports that this missense variant has a deleterious effect on protein structure/function; Has not been previously published as pathogenic or benign to our knowledge